The following is an entry in ClinVar:

ClinVar aggregate classification (germline): Uncertain significance (1 of 4 stars; one submission).

gnomAD v4.1: 19 of 1,613,580 alleles (0.0012%); highest among the groups gnomAD compares: Admixed American, 0.032%; no homozygotes.

Submission:

Women's Health and Genetics/Laboratory Corporation of America, LabCorp
Classification: Uncertain significance. Last evaluated: 2024-11-07. Review status: criteria provided, single submitter. Criteria: LabCorp Variant Classification Summary - May 2015. Collection method: clinical testing. Allele origin: germline.
Comment: Variant summary: SLC9A9 c.504G>C (p.Leu168Phe) results in a non-conservative amino acid change located in the Sodium/hydrogen exchanger domain (IPR006153) of the encoded protein sequence. Three of five in-silico tools predict a damaging effect of the variant on protein function. The variant allele was found at a frequency of 7.2e-05 in 251122 control chromosomes. This frequency is not significantly higher than estimated for a pathogenic variant in SLC9A9 causing Autism, Susceptibility To, 16, allowing no conclusion about variant significance. To our knowledge, no occurrence of c.504G>C in individuals affected with Autism, Susceptibility To, 16 and no experimental evidence demonstrating its impact on protein function have been reported. No submitters have cited clinical-significance assessments for this variant to ClinVar. Based on the evidence outlined above, the variant was classified as uncertain significance.

NM_173653.4(SLC9A9):c.504G>C (p.Leu168Phe)

Gene: SLC9A9 (solute carrier family 9 member A9; minus strand). Cytogenetic location: 3q24.
Variant type: single nucleotide variant.
Coding change: c.504G>C on transcript NM_173653.4 (MANE Select); coding-DNA position 504, G replaced by C.
Protein change: p.Leu168Phe; replaces leucine 168 with phenylalanine.
Molecular consequence: missense variant.
Genome position (GRCh38, 1-based): chr3:143,795,030, C>G on the plus strand (G>C on the coding strand, the complement: SLC9A9 is on the minus strand). VCF-style: chr3-143795030-C-G. GRCh37 (hg19) VCF-style: chr3-143513872-C-G.
Other names: short protein forms L168F.
Identifiers: ClinVar variation 3629777 (VCV003629777.1).
Genomic context (GRCh38, chr3:143,795,030, plus strand): 5'-ACCTGCAACTTGAGCTCCGAATGTCACTTACCCTATGACGATGCAGGAGATGGCAGTTCC[C>G]AAGAAGGCATACGTTAAAATAGATCCTAAGTTTTGAAAAAAGTGTCTCTGGGGAGAAAAA-3'
Protein context (NP_775924.1, residues 158-178): NLGSILTYAF[Leu168Phe]GTAISCIVIG